The following is an entry in ClinVar:

ClinVar aggregate classification (germline): Uncertain significance. Review status: criteria provided, multiple submitters, no conflicts (2 of 4 stars). 2 submissions from 2 submitters: Uncertain significance (2). Last evaluated 2023-12-11.

Allele frequency attached by ClinVar (database versions not stated): ExAC 0.00002; TOPMed 0.00002; gnomAD 0.00003.
gnomAD v4.1: 54 of 1,613,650 alleles (0.0033%); highest among the groups gnomAD compares: Non-Finnish European, 0.0043%; no homozygotes.

Submissions (2):

Labcorp Genetics (formerly Invitae), Labcorp
Classification: Uncertain significance. Last evaluated: 2023-12-11. Review status: criteria provided, single submitter. Criteria: Invitae Variant Classification Sherloc (09022015). Collection method: clinical testing. Allele origin: germline.
Comment: This sequence change replaces arginine, which is basic and polar, with histidine, which is basic and polar, at codon 756 of the TOP2B protein (p.Arg756His). This variant is present in population databases (rs765115114, gnomAD 0.01%). This variant has not been reported in the literature in individuals affected with TOP2B-related conditions. ClinVar contains an entry for this variant (Variation ID: 1906417). An algorithm developed to predict the effect of missense changes on protein structure and function (PolyPhen-2) suggests that this variant is likely to be tolerated. In summary, the available evidence is currently insufficient to determine the role of this variant in disease. Therefore, it has been classified as a Variant of Uncertain Significance.

Ambry Genetics
Classification: Uncertain significance. Last evaluated: 2023-08-10. Review status: criteria provided, single submitter. Criteria: Ambry Variant Classification Scheme 2023. Collection method: clinical testing. Allele origin: germline.

NM_001330700.2(TOP2B):c.2282G>A (p.Arg761His)

Gene: TOP2B (DNA topoisomerase II beta; minus strand). Cytogenetic location: 3p24.2.
Variant type: single nucleotide variant.
Coding change: c.2282G>A on transcript NM_001330700.2 (MANE Select); coding-DNA position 2282, G replaced by A.
Protein change: p.Arg761His; replaces arginine 761 with histidine.
Molecular consequence: missense variant.
Genome position (GRCh38, 1-based): chr3:25,624,746, C>T on the plus strand (G>A on the coding strand, the complement: TOP2B is on the minus strand). VCF-style: chr3-25624746-C-T. GRCh37 (hg19) VCF-style: chr3-25666237-C-T.
Other names: c.2267G>A, p.Arg756His (NM_001068.3); c.2267G>A (NM_001068.2); short protein forms R761H, R756H.
Identifiers: ClinVar variation 1906417 (VCV001906417.7), dbSNP rs765115114, ClinGen allele CA2288528.